The following is an entry in ClinVar:

ClinVar aggregate classification (germline): Uncertain significance (1 of 4 stars; one submission).

Submission:

GeneDx
Classification: Uncertain significance. Last evaluated: 2026-04-11. Review status: criteria provided, single submitter. Criteria: GeneDx Variant Classification Process June 2021. Collection method: clinical testing. Allele origin: germline.
Comment: Not observed at significant frequency in large population cohorts (gnomAD); In silico analysis supports that this missense variant has a deleterious effect on protein structure/function; Has not been previously published as pathogenic or benign to our knowledge

NM_004789.4(LHX2):c.1075A>T (p.Ser359Cys)

Gene: LHX2 (LIM homeobox 2; plus strand). Cytogenetic location: 9q33.3.
Variant type: single nucleotide variant.
Coding change: c.1075A>T on transcript NM_004789.4 (MANE Select); coding-DNA position 1075, A replaced by T.
Protein change: p.Ser359Cys; replaces serine 359 with cysteine.
Molecular consequence: missense variant.
Genome position (GRCh38, 1-based): chr9:124,032,561, A>T. VCF-style: chr9-124032561-A-T. GRCh37 (hg19) VCF-style: chr9-126794840-A-T.
Other names: short protein forms S359C.
Identifiers: ClinVar variation 5018399 (VCV005018399.1).